The following is an entry in ClinVar:

ClinVar aggregate classification (germline): Uncertain significance (1 of 4 stars; one submission).

Allele frequency attached by ClinVar (database versions not stated): gnomAD exomes below 0.00001.
gnomAD v4.1: 1 of 1,613,780 alleles (0.000062%); highest among the groups gnomAD compares: East Asian, 0.0022%; no homozygotes.

Submission:

Labcorp Genetics (formerly Invitae), Labcorp
Classification: Uncertain significance. Last evaluated: 2022-02-04. Review status: criteria provided, single submitter. Criteria: Invitae Variant Classification Sherloc (09022015). Collection method: clinical testing. Allele origin: germline.
Comment: This sequence change replaces isoleucine, which is neutral and non-polar, with valine, which is neutral and non-polar, at codon 481 of the LRP2 protein (p.Ile481Val). This variant is present in population databases (no rsID available, gnomAD 0.006%). In summary, the available evidence is currently insufficient to determine the role of this variant in disease. Therefore, it has been classified as a Variant of Uncertain Significance. Algorithms developed to predict the effect of missense changes on protein structure and function (SIFT, PolyPhen-2, Align-GVGD) all suggest that this variant is likely to be tolerated. This variant has not been reported in the literature in individuals affected with LRP2-related conditions.

NM_004525.3(LRP2):c.1441A>G (p.Ile481Val)

Gene: LRP2 (LDL receptor related protein 2; minus strand). Cytogenetic location: 2q31.1.
Variant type: single nucleotide variant.
Coding change: c.1441A>G on transcript NM_004525.3 (MANE Select); coding-DNA position 1441, A replaced by G.
Protein change: p.Ile481Val; replaces isoleucine 481 with valine.
Molecular consequence: missense variant.
Genome position (GRCh38, 1-based): chr2:169,279,496, T>C on the plus strand (A>G on the coding strand, the complement: LRP2 is on the minus strand). VCF-style: chr2-169279496-T-C. GRCh37 (hg19) VCF-style: chr2-170136006-T-C.
Other names: short protein forms I481V.
Identifiers: ClinVar variation 2092710 (VCV002092710.4), dbSNP rs1358910118, ClinGen allele CA349148662.